The following is an entry in ClinVar:

ClinVar aggregate classification (germline): Uncertain significance (1 of 4 stars; one submission).

Conditions:
Congenital myasthenic syndrome 8. Also called: Myasthenic syndrome, congenital, 8, with pre- and postsynaptic defects; MYASTHENIC SYNDROME, CONGENITAL, DUE TO AGRIN DEFICIENCY. Identifiers: Orphanet 590, MedGen C3808739, MONDO:0014052, OMIM 615120.

Allele frequency attached by ClinVar (database versions not stated): TOPMed below 0.00001; gnomAD 0.00001; gnomAD exomes 0.00001.
gnomAD v4.1: 14 of 1,611,098 alleles (0.00087%); highest among the groups gnomAD compares: East Asian, 0.0022%; no homozygotes.

Submission:

Labcorp Genetics (formerly Invitae), Labcorp
Classification: Uncertain significance for Congenital myasthenic syndrome 8. Last evaluated: 2022-08-22. Review status: criteria provided, single submitter. Criteria: Invitae Variant Classification Sherloc (09022015). Collection method: clinical testing. Allele origin: germline.
Comment: This sequence change replaces arginine, which is basic and polar, with cysteine, which is neutral and slightly polar, at codon 413 of the AGRN protein (p.Arg413Cys). This variant is not present in population databases (gnomAD no frequency). This variant has not been reported in the literature in individuals affected with AGRN-related conditions. Algorithms developed to predict the effect of missense changes on protein structure and function are either unavailable or do not agree on the potential impact of this missense change (SIFT: "Deleterious"; PolyPhen-2: "Possibly Damaging"; Align-GVGD: "Class C0"). In summary, the available evidence is currently insufficient to determine the role of this variant in disease. Therefore, it has been classified as a Variant of Uncertain Significance.

NM_198576.4(AGRN):c.1237C>T (p.Arg413Cys)

Gene: AGRN (agrin; plus strand). Cytogenetic location: 1p36.33.
Variant type: single nucleotide variant.
Coding change: c.1237C>T on transcript NM_198576.4 (MANE Select); coding-DNA position 1237, C replaced by T.
Protein change: p.Arg413Cys; replaces arginine 413 with cysteine.
Molecular consequence: missense variant.
Genome position (GRCh38, 1-based): chr1:1,042,015, C>T. VCF-style: chr1-1042015-C-T. GRCh37 (hg19) VCF-style: chr1-977395-C-T.
Other names: c.1237C>T, p.Arg413Cys (NM_001305275.2); c.922C>T, p.Arg308Cys (NM_001364727.2); short protein forms R308C, R413C.
Identifiers: ClinVar variation 2060245 (VCV002060245.1), dbSNP rs1205781353, ClinGen allele CA337827768.